The following is an entry in ClinVar:

ClinVar aggregate classification (germline): Pathogenic. Review status: criteria provided, multiple submitters, no conflicts (2 of 4 stars). 3 submissions from 3 submitters: Pathogenic (3). Last evaluated 2024-11-15.

Conditions:
Gorlin syndrome. Also called: Nevoid Basal Cell Carcinoma Syndrome; Basal cell nevus syndrome. Identifiers: Orphanet 377, MedGen C0004779, MONDO:0007187.
Hereditary cancer-predisposing syndrome. Also called: Hereditary neoplastic syndrome; Tumor predisposition; Neoplastic Syndromes, Hereditary; Hereditary Cancer Syndrome. Identifiers: Orphanet 140162, MedGen C0027672, MeSH D009386, MONDO:0015356.

Submissions (3):

Labcorp Genetics (formerly Invitae), Labcorp
Classification: Pathogenic for Gorlin syndrome. Last evaluated: 2024-11-15. Review status: criteria provided, single submitter. Criteria: Invitae Variant Classification Sherloc (09022015). Collection method: clinical testing. Allele origin: germline.
Comment: This sequence change creates a premature translational stop signal (p.Arg135*) in the PTCH1 gene. It is expected to result in an absent or disrupted protein product. Loss-of-function variants in PTCH1 are known to be pathogenic (PMID: 16301862, 16419085). This variant is not present in population databases (gnomAD no frequency). This premature translational stop signal has been observed in individual(s) with basal cell nevus syndrome (PMID: 8981943, 9415689, 16508594). In at least one individual the variant was observed to be de novo. ClinVar contains an entry for this variant (Variation ID: 428839). For these reasons, this variant has been classified as Pathogenic.

Ambry Genetics
Classification: Pathogenic for Hereditary cancer-predisposing syndrome. Last evaluated: 2022-12-12. Review status: criteria provided, single submitter. Criteria: Ambry Variant Classification Scheme 2023. Collection method: clinical testing. Allele origin: germline.
Comment: The p.R135* pathogenic mutation (also known as c.403C>T), located in coding exon 3 of the PTCH1 gene, results from a C to T substitution at nucleotide position 403. This changes the amino acid from an arginine to a stop codon within coding exon 3. This mutation has previously been identified in an individual with sporadic NBCCS (Wicking C et al. Am J Hum Genet, 1997 Jan;60:21-6). This alteration is expected to result in loss of function by premature protein truncation or nonsense-mediated mRNA decay. As such, this alteration is interpreted as a disease-causing mutation.

GeneDx
Classification: Pathogenic. Last evaluated: 2022-07-26. Review status: criteria provided, single submitter. Criteria: GeneDx Variant Classification Process June 2021. Collection method: clinical testing. Allele origin: germline. Affected: yes.
Comment: Nonsense variant predicted to result in protein truncation or nonsense mediated decay in a gene for which loss-of-function is a known mechanism of disease; Not observed at significant frequency in large population cohorts (gnomAD); This variant is associated with the following publications: (PMID: 25525159, 18502968, 16301862, 16508594, 20690502, 30610186, 29575684, 33825892, 24204797, 33441926, 8981943)

Literature cited by the submitters: PubMed 16301862 (cited by Labcorp Genetics (formerly Invitae), Labcorp); PubMed 16419085 (cited by Labcorp Genetics (formerly Invitae), Labcorp); PubMed 8981943 (cited by Labcorp Genetics (formerly Invitae), Labcorp and Ambry Genetics); PubMed 9415689 (cited by Labcorp Genetics (formerly Invitae), Labcorp); PubMed 16508594 (cited by Labcorp Genetics (formerly Invitae), Labcorp); PubMed 18502968 (cited by Ambry Genetics).

NM_000264.5(PTCH1):c.403C>T (p.Arg135Ter)

Gene: PTCH1 (patched 1; minus strand). Cytogenetic location: 9q22.32.
Variant type: single nucleotide variant.
Coding change: c.403C>T on transcript NM_000264.5 (MANE Select); coding-DNA position 403, C replaced by T.
Protein change: p.Arg135Ter; replaces arginine 135 with a stop codon.
Molecular consequence: nonsense. On other transcripts: 5 prime UTR variant (4), non-coding transcript variant (1).
Genome position (GRCh38, 1-based): chr9:95,485,866, G>A on the plus strand (C>T on the coding strand, the complement: PTCH1 is on the minus strand). VCF-style: chr9-95485866-G-A. GRCh37 (hg19) VCF-style: chr9-98248148-G-A.
Other names: c.205C>T, p.Arg69Ter (NM_001083602.3, NM_001354919.2); c.400C>T, p.Arg134Ter (NM_001083603.3); c.-51C>T (NM_001083604.3, NM_001083605.3, NM_001083606.3 and 1 more transcripts); c.403C>T, p.Arg135Ter (NM_001354918.2); short protein forms R135*, R69*, R134*.
Identifiers: ClinVar variation 428839 (VCV000428839.15), dbSNP rs1131690986, ClinGen allele CA374117333.